The following is an entry in ClinVar:

ClinVar aggregate classification (germline): Uncertain significance (1 of 4 stars; one submission).

Conditions:
Episodic ataxia type 2 (EA2). Also called: ATAXIA, EPISODIC, WITH NYSTAGMUS; ATAXIA, FAMILIAL PAROXYSMAL; CEREBELLAR ATAXIA, PAROXYSMAL, ACETAZOLAMIDE-RESPONSIVE; CEREBELLOPATHY, HEREDITARY PAROXYSMAL; EPISODIC ATAXIA, NYSTAGMUS-ASSOCIATED; ACETAZOLAMIDE-RESPONSIVE HEREDITARY PAROXYSMAL CEREBELLAR ATAXIA. Identifiers: Orphanet 97, MedGen C1720416, MONDO:0007163, OMIM 108500.
Developmental and epileptic encephalopathy, 42 (DEE42A). Also called: Epileptic encephalopathy, early infantile, 42; DEVELOPMENTAL AND EPILEPTIC ENCEPHALOPATHY 42A; EPILEPTIC ENCEPHALOPATHY, EARLY INFANTILE, 42A. Identifiers: MedGen C4310716, MONDO:0014917, OMIM 617106.

Submission:

Labcorp Genetics (formerly Invitae), Labcorp
Classification: Uncertain significance for Developmental and epileptic encephalopathy, 42; Episodic ataxia type 2. Last evaluated: 2021-11-23. Review status: criteria provided, single submitter. Criteria: Invitae Variant Classification Sherloc (09022015). Collection method: clinical testing. Allele origin: germline.
Comment: This variant is not present in population databases (gnomAD no frequency). In summary, the available evidence is currently insufficient to determine the role of this variant in disease. Therefore, it has been classified as a Variant of Uncertain Significance. Variants that disrupt the consensus splice site are a relatively common cause of aberrant splicing (PMID: 17576681, 9536098). Algorithms developed to predict the effect of sequence changes on RNA splicing suggest that this variant may disrupt the consensus splice site. This variant has not been reported in the literature in individuals affected with CACNA1A-related conditions. This sequence change falls in intron 44 of the CACNA1A gene. It does not directly change the encoded amino acid sequence of the CACNA1A protein. It affects a nucleotide within the consensus splice site.

Literature cited by the submitters: PubMed 17576681; PubMed 9536098.

NM_001127222.2(CACNA1A):c.6339+5G>C

Gene: CACNA1A (calcium voltage-gated channel subunit alpha1 A; minus strand). Cytogenetic location: 19p13.13.
Variant type: single nucleotide variant.
Coding change: c.6339+5G>C on transcript NM_001127222.2 (MANE Select); 5 bases into the intron after coding-DNA position 6339, G replaced by C.
Molecular consequence: intron variant.
Genome position (GRCh38, 1-based): chr19:13,210,612, C>G on the plus strand (G>C on the coding strand, the complement: CACNA1A is on the minus strand). VCF-style: chr19-13210612-C-G. GRCh37 (hg19) VCF-style: chr19-13321426-C-G.
Other names: c.6342+5G>C (NM_001127221.2); c.6348+5G>C (NM_001174080.2); c.6357+5G>C (NM_000068.4, NM_023035.3).
Identifiers: ClinVar variation 1429695 (VCV001429695.6), dbSNP rs2144513372, ClinGen allele CA2573156016.